The following is an entry in ClinVar:

ClinVar aggregate classification (germline): Uncertain significance (1 of 4 stars; one submission).

Conditions:
POLD1-related polyposis and colorectal cancer syndrome (CRCS10). Also called: Colorectal cancer 10; COLORECTAL CANCER, SUSCEPTIBILITY TO, ON CHROMOSOME 19q; Colorectal cancer, susceptibility to, 10. Identifiers: Orphanet 220460, MedGen C2675481, MONDO:0012953, OMIM 612591.

Submission:

Labcorp Genetics (formerly Invitae), Labcorp
Classification: Uncertain significance for POLD1-related polyposis and colorectal cancer syndrome. Last evaluated: 2022-06-29. Review status: criteria provided, single submitter. Criteria: Invitae Variant Classification Sherloc (09022015). Collection method: clinical testing. Allele origin: germline.
Comment: In summary, the available evidence is currently insufficient to determine the role of this variant in disease. Therefore, it has been classified as a Variant of Uncertain Significance. Algorithms developed to predict the effect of missense changes on protein structure and function are either unavailable or do not agree on the potential impact of this missense change (SIFT: "Tolerated"; PolyPhen-2: "Probably Damaging"; Align-GVGD: "Class C0"). This variant has not been reported in the literature in individuals affected with POLD1-related conditions. This variant is not present in population databases (gnomAD no frequency). This sequence change replaces valine, which is neutral and non-polar, with isoleucine, which is neutral and non-polar, at codon 555 of the POLD1 protein (p.Val555Ile).

NM_002691.4(POLD1):c.1663G>A (p.Val555Ile)

Gene: POLD1 (DNA polymerase delta 1, catalytic subunit; plus strand). Cytogenetic location: 19q13.33.
Variant type: single nucleotide variant.
Coding change: c.1663G>A on transcript NM_002691.4 (MANE Select); coding-DNA position 1663, G replaced by A.
Protein change: p.Val555Ile; replaces valine 555 with isoleucine.
Molecular consequence: missense variant. On other transcripts: non-coding transcript variant (1).
Genome position (GRCh38, 1-based): chr19:50,407,151, G>A. VCF-style: chr19-50407151-G-A. GRCh37 (hg19) VCF-style: chr19-50910408-G-A.
Other names: c.1663G>A, p.Val555Ile (NM_001308632.1, NM_001256849.1); short protein forms V555I.
Identifiers: ClinVar variation 2012113 (VCV002012113.4), dbSNP rs2514001068, ClinGen allele CA406981080.